The following is an entry in ClinVar:

NM_020738.4(KIDINS220):c.3374dup (p.Tyr1125Ter)

Gene: KIDINS220 (kinase D interacting substrate 220; minus strand). Cytogenetic location: 2p25.1.
Variant type: Duplication.
Coding change: c.3374dup on transcript NM_020738.4 (MANE Select); coding-DNA position 3374, one base duplicated (A; older notation c.3374dupA).
Protein change: p.Tyr1125Ter; replaces tyrosine 1125 with a stop codon.
Molecular consequence: nonsense. On other transcripts: non-coding transcript variant (2).
Genome position (GRCh38, 1-based): chr2:8,750,152, T duplicated on the plus strand (A on the coding strand, the reverse complement: KIDINS220 is on the minus strand). VCF-style (leftmost placement, unchanged base first): chr2-8750151-G-GT. GRCh37 (hg19) VCF-style: chr2-8890281-G-GT.
Other names: c.3377dup, p.Tyr1126Ter (NM_001348729.2, NM_001348731.2, NM_001348734.2 and 2 more transcripts); c.3374dup, p.Tyr1125Ter (NM_001348732.2, NM_001348735.2, NM_001348738.2 and 3 more transcripts); c.3248dup, p.Tyr1083Ter (NM_001348736.2); short protein forms Y1083*, Y1125*, Y1126*.
Identifiers: ClinVar variation 2635940 (VCV002635940.5), dbSNP rs1438054052, ClinGen allele CA530848335.

ClinVar aggregate classification (germline): Pathogenic/Likely pathogenic. Review status: criteria provided, multiple submitters, no conflicts (2 of 4 stars). 3 submissions from 3 submitters: Pathogenic (1); Likely pathogenic (2). Last evaluated 2026-06-30.

Conditions:
KIDINS220-related disorder. Also called: KIDINS220-related condition.

Allele frequency attached by ClinVar (database versions not stated): TOPMed 0.00001; gnomAD exomes 0.00002; gnomAD 0.00001.

Submissions (3):

PreventionGenetics, part of Exact Sciences
Classification: Likely pathogenic for KIDINS220-related condition. Last evaluated: 2026-06-30. Review status: criteria provided, single submitter. Criteria: ACMG Guidelines, 2015. Collection method: clinical testing. Allele origin: germline.
Comment: The KIDINS220 c.3374dupA variant is predicted to result in premature protein termination (p.Tyr1125*). To our knowledge, this variant has not been reported in the literature. This variant is reported in 0.00088% of alleles in individuals of European (Non-Finnish) descent in gnomAD. Nonsense variants in KIDINS220 are expected to be pathogenic. However, this variant is located in exon 24 of 30, and therefore is expected to be pathogenic only for autosomal recessive KIDINS220 associated disorders. This variant is interpreted as likely pathogenic.

Greenwood Genetic Center Diagnostic Laboratories, Greenwood Genetic Center
Classification: Likely pathogenic for KIDINS220-related disorder. Last evaluated: 2025-11-13. Review status: criteria provided, single submitter. Criteria: ACMG Guidelines, 2015. Collection method: clinical testing. Allele origin: germline. Affected: yes.
Comment: PVS1, PM2

Labcorp Genetics (formerly Invitae), Labcorp
Classification: Pathogenic. Last evaluated: 2025-01-05. Review status: criteria provided, single submitter. Criteria: Invitae Variant Classification Sherloc (09022015). Collection method: clinical testing. Allele origin: germline.
Comment: This sequence change creates a premature translational stop signal (p.Tyr1125*) in the KIDINS220 gene. It is expected to result in an absent or disrupted protein product. Loss-of-function variants in KIDINS220 are known to be pathogenic (PMID: 28934391, 32909676). This variant is present in population databases (no rsID available, gnomAD 0.0009%). This variant has not been reported in the literature in individuals affected with KIDINS220-related conditions. ClinVar contains an entry for this variant (Variation ID: 2635940). For these reasons, this variant has been classified as Pathogenic.

Literature cited by the submitters: PubMed 28934391 (cited by Labcorp Genetics (formerly Invitae), Labcorp); PubMed 32909676 (cited by Labcorp Genetics (formerly Invitae), Labcorp).